The following is an entry in ClinVar:

ClinVar aggregate classification (germline): Uncertain significance (1 of 4 stars; one submission).

Submission:

GeneDx
Classification: Uncertain significance. Last evaluated: 2023-07-20. Review status: criteria provided, single submitter. Criteria: GeneDx Variant Classification Process June 2021. Collection method: clinical testing. Allele origin: germline. Affected: yes.
Comment: Not observed at significant frequency in large population cohorts (gnomAD); In silico analysis supports that this missense variant has a deleterious effect on protein structure/function; Has not been previously published as pathogenic or benign to our knowledge

NM_005909.5(MAP1B):c.6753G>T (p.Lys2251Asn)

Gene: MAP1B (microtubule associated protein 1B; plus strand). Cytogenetic location: 5q13.2.
Variant type: single nucleotide variant.
Coding change: c.6753G>T on transcript NM_005909.5 (MANE Select); coding-DNA position 6753, G replaced by T.
Protein change: p.Lys2251Asn; replaces lysine 2251 with asparagine.
Molecular consequence: missense variant.
Genome position (GRCh38, 1-based): chr5:72,200,108, G>T. VCF-style: chr5-72200108-G-T. GRCh37 (hg19) VCF-style: chr5-71495935-G-T.
Other names: c.6375G>T, p.Lys2125Asn (NM_001324255.2); short protein forms K2125N, K2251N.
Identifiers: ClinVar variation 3361167 (VCV003361167.1).
Genomic context (GRCh38, chr5:72,200,108, plus strand): 5'-GGGCAAAGCTCTAAAGAAAGATCTGAAAGAGAAGACCAAAACCAAAAAGCCAGGTACAAA[G>T]ACCAAGTCATCTTCACCTGTCAAAAAGAGTGATGGGAAGTCTAAGCCCTTGGCAGCTTCA-3'
Protein context (NP_005900.2, residues 2241-2261): EKTKTKKPGT[Lys2251Asn]TKSSSPVKKS